The following is an entry in ClinVar:

NM_001111125.3(IQSEC2):c.3223G>A (p.Asp1075Asn)

Gene: IQSEC2 (IQ motif and Sec7 domain ArfGEF 2; minus strand). Cytogenetic location: Xp11.22.
Variant type: single nucleotide variant.
Coding change: c.3223G>A on transcript NM_001111125.3 (MANE Select); coding-DNA position 3223, G replaced by A.
Protein change: p.Asp1075Asn; replaces aspartic acid 1075 with asparagine.
Molecular consequence: missense variant.
Genome position (GRCh38, 1-based): chrX:53,238,199, C>T on the plus strand (G>A on the coding strand, the complement: IQSEC2 is on the minus strand). VCF-style: chrX-53238199-C-T. GRCh37 (hg19) VCF-style: chrX-53267381-C-T.
Other names: c.2608G>A, p.Asp870Asn (NM_015075.2); short protein forms D1075N, D870N.
Identifiers: ClinVar variation 859860 (VCV000859860.10), dbSNP rs2074165173, ClinGen allele CA413146475.

ClinVar aggregate classification (germline): Uncertain significance (1 of 4 stars; one submission).

Conditions:
Intellectual developmental disorder, X-linked 1. Also called: Atkin Flaitz Patil Smith syndrome; MENTAL RETARDATION, X-LINKED 18; MENTAL RETARDATION, X-LINKED 78; Intellectual disability, X-linked 1. Identifiers: Orphanet 777, MedGen C2931498, MONDO:0010656, OMIM 309530.

Submission:

Labcorp Genetics (formerly Invitae), Labcorp
Classification: Uncertain significance for Intellectual developmental disorder, X-linked 1. Last evaluated: 2022-06-13. Review status: criteria provided, single submitter. Criteria: Invitae Variant Classification Sherloc (09022015). Collection method: clinical testing. Allele origin: germline.
Comment: In summary, the available evidence is currently insufficient to determine the role of this variant in disease. Therefore, it has been classified as a Variant of Uncertain Significance. Advanced modeling of protein sequence and biophysical properties (such as structural, functional, and spatial information, amino acid conservation, physicochemical variation, residue mobility, and thermodynamic stability) performed at Invitae indicates that this missense variant is expected to disrupt IQSEC2 protein function. ClinVar contains an entry for this variant (Variation ID: 859860). This variant has not been reported in the literature in individuals affected with IQSEC2-related conditions. This variant is not present in population databases (gnomAD no frequency). This sequence change replaces aspartic acid, which is acidic and polar, with asparagine, which is neutral and polar, at codon 1075 of the IQSEC2 protein (p.Asp1075Asn).